The following is an entry in ClinVar:

NM_001005242.3(PKP2):c.1382T>C (p.Leu461Ser)

Gene: PKP2 (plakophilin 2; minus strand). Cytogenetic location: 12p11.21.
Variant type: single nucleotide variant.
Coding change: c.1382T>C on transcript NM_001005242.3 (MANE Select); coding-DNA position 1382, T replaced by C.
Protein change: p.Leu461Ser; replaces leucine 461 with serine.
Molecular consequence: missense variant.
Genome position (GRCh38, 1-based): chr12:32,841,202, A>G on the plus strand (T>C on the coding strand, the complement: PKP2 is on the minus strand). VCF-style: chr12-32841202-A-G. GRCh37 (hg19) VCF-style: chr12-32994136-A-G.
Other names: c.1382T>C, p.Leu461Ser (NM_001407155.1, NM_001407156.1, NM_001407161.1); c.1514T>C, p.Leu505Ser (NM_001407157.1, NM_004572.4); c.1055T>C, p.Leu352Ser (NM_001407158.1, NM_001407159.1, NM_001407160.1 and 1 more transcripts); short protein forms L461S, L352S, L505S.
Identifiers: ClinVar variation 2774092 (VCV002774092.2), dbSNP rs1434862252, ClinGen allele CA384368179.

ClinVar aggregate classification (germline): Uncertain significance (1 of 4 stars; one submission).

Conditions:
Cardiomyopathy (CMYO). Also called: Cardiomyopathies. Identifiers: Orphanet 167848, MedGen C0878544, MONDO:0004994, HP:0001638. Inheritance: Various modes of inheritance.

Allele frequency attached by ClinVar (database versions not stated): gnomAD exomes below 0.00001.
gnomAD v4.1: 1 of 1,612,890 alleles (0.000062%); highest among the groups gnomAD compares: East Asian, 0.0022%; no homozygotes.

Submission:

Color Diagnostics, LLC DBA Color Health
Classification: Uncertain significance for Cardiomyopathy. Last evaluated: 2024-03-06. Review status: criteria provided, single submitter. Criteria: ACMG Guidelines, 2015. Collection method: clinical testing. Allele origin: germline.
Comment: This missense variant replaces leucine with serine at codon 505 of the PKP2 protein. Computational prediction suggests that this variant may have deleterious impact on protein structure and function (internally defined REVEL score threshold >= 0.7, PMID: 27666373). To our knowledge, functional studies have not been reported for this variant. This variant has not been reported in individuals affected with cardiovascular disorders in the literature. This variant has been identified in 1/249852 chromosomes in the general population by the Genome Aggregation Database (gnomAD). The available evidence is insufficient to determine the role of this variant in disease conclusively. Therefore, this variant is classified as a Variant of Uncertain Significance.